The following is an entry in ClinVar:

ClinVar aggregate classification (germline): Uncertain significance (1 of 4 stars; one submission).

Submission:

Greenwood Genetic Center Diagnostic Laboratories, Greenwood Genetic Center
Classification: Uncertain significance. Last evaluated: 2022-11-08. Review status: criteria provided, single submitter. Criteria: ACMG Guidelines, 2015. Collection method: clinical testing. Allele origin: germline. Affected: yes.
Comment: PM2, PP2, PP3

NM_031407.7(HUWE1):c.431G>A (p.Arg144Lys)

Gene: HUWE1 (HECT, UBA and WWE domain containing E3 ubiquitin protein ligase 1; minus strand). Cytogenetic location: Xp11.22.
Variant type: single nucleotide variant.
Coding change: c.431G>A on transcript NM_031407.7 (MANE Select); coding-DNA position 431, G replaced by A.
Protein change: p.Arg144Lys; replaces arginine 144 with lysine.
Molecular consequence: missense variant.
Genome position (GRCh38, 1-based): chrX:53,645,384, C>T on the plus strand (G>A on the coding strand, the complement: HUWE1 is on the minus strand). VCF-style: chrX-53645384-C-T. GRCh37 (hg19) VCF-style: chrX-53672336-C-T.
Other names: short protein forms R144K.
Identifiers: ClinVar variation 2429098 (VCV002429098.4), dbSNP rs2528789007, ClinGen allele CA413163902.
Genomic context (GRCh38, chrX:53,645,384, plus strand): 5'-TGTAGCCGAGTTAGCAGCGGGGTCCTCTTGTCAGATCCCAGACGAGTGATGTAGTTTGAT[C>T]TTTTGCTAAATACATATAGGAGATTGAGGACTGCCAGCACCACTTGCATATCAGAGGAAG-3'
Protein context (NP_113584.3, residues 134-154): VLNLLYVFSK[Arg144Lys]SNYITRLGSD